The following is an entry in ClinVar:

ClinVar aggregate classification (germline): Uncertain significance (1 of 4 stars; one submission).

Conditions:
Proline dehydrogenase deficiency (HYRPRO1). Also called: PROLINE OXIDASE DEFICIENCY; Hyperprolinemia type 1. Identifiers: Orphanet 419, MedGen C0268529, MONDO:0009400, OMIM 239500.

Submission:

Labcorp Genetics (formerly Invitae), Labcorp
Classification: Uncertain significance for Proline dehydrogenase deficiency. Last evaluated: 2025-06-01. Review status: criteria provided, single submitter. Criteria: Invitae Variant Classification Sherloc (09022015). Collection method: clinical testing. Allele origin: germline.
Comment: This sequence change replaces alanine, which is neutral and non-polar, with threonine, which is neutral and polar, at codon 6 of the PRODH protein (p.Ala6Thr). This variant is not present in population databases (gnomAD no frequency). This variant has not been reported in the literature in individuals affected with PRODH-related conditions. An algorithm developed to predict the effect of missense changes on protein structure and function (PolyPhen-2) suggests that this variant is likely to be tolerated. In summary, the available evidence is currently insufficient to determine the role of this variant in disease. Therefore, it has been classified as a Variant of Uncertain Significance.

NM_016335.6(PRODH):c.16G>A (p.Ala6Thr)

Gene: PRODH (proline dehydrogenase 1; minus strand). Cytogenetic location: 22q11.21.
Variant type: single nucleotide variant.
Coding change: c.16G>A on transcript NM_016335.6 (MANE Select); coding-DNA position 16, G replaced by A.
Protein change: p.Ala6Thr; replaces alanine 6 with threonine.
Molecular consequence: missense variant. On other transcripts: 5 prime UTR variant (1), intron variant (1).
Genome position (GRCh38, 1-based): chr22:18,936,272, C>T on the plus strand (G>A on the coding strand, the complement: PRODH is on the minus strand). VCF-style: chr22-18936272-C-T. GRCh37 (hg19) VCF-style: chr22-18923785-C-T.
Other names: c.-154G>A (NM_001368250.2); c.-52+118G>A (NM_001195226.2); short protein forms A6T.
Identifiers: ClinVar variation 4736634 (VCV004736634.1).
Genomic context (GRCh38, chr22:18,936,272, plus strand): 5'-AGGCCGGCGCCGTGGACAGCGGGACGAAGCGGGGAATGCAGGGGCGCAGCGCGGGCAGGG[C>T]GCGCCTCAGAGCCATGGCGGGACGGCGGTACCCGCCCGGGCCGCTTAAGTGTGCGCTGTT-3'
Protein context (NP_057419.5, residues 1-16): MALRR[Ala6Thr]LPALRPCIPR